The following is an entry in ClinVar:

ClinVar aggregate classification (germline): Uncertain significance (1 of 4 stars; one submission).

Conditions:
Autosomal dominant nocturnal frontal lobe epilepsy 5. Also called: KCNT1-Related Epilepsy; Epilepsy, nocturnal frontal lobe, 5; CILIARY DYSKINESIA, PRIMARY, 28, WITHOUT SITUS INVERSUS; CILIARY DYSKINESIA, PRIMARY, 28, WITH SITUS INVERSUS. Identifiers: Orphanet 98784, MedGen C3554306, MONDO:0014002, OMIM 615005.
Developmental and epileptic encephalopathy, 14 (DEE14). Also called: Early infantile epileptic encephalopathy 14. Identifiers: Orphanet 293181, MedGen C3554195, MONDO:0013989, OMIM 614959.

Submission:

Labcorp Genetics (formerly Invitae), Labcorp
Classification: Uncertain significance for Autosomal dominant nocturnal frontal lobe epilepsy 5; Developmental and epileptic encephalopathy, 14. Last evaluated: 2025-04-14. Review status: criteria provided, single submitter. Criteria: Invitae Variant Classification Sherloc (09022015). Collection method: clinical testing. Allele origin: germline.
Comment: This sequence change replaces alanine, which is neutral and non-polar, with aspartic acid, which is acidic and polar, at codon 647 of the KCNT1 protein (p.Ala647Asp). This variant is not present in population databases (gnomAD no frequency). This variant has not been reported in the literature in individuals affected with KCNT1-related conditions. ClinVar contains an entry for this variant (Variation ID: 1469830). Invitae Evidence Modeling of protein sequence and biophysical properties (such as structural, functional, and spatial information, amino acid conservation, physicochemical variation, residue mobility, and thermodynamic stability) indicates that this missense variant is not expected to disrupt KCNT1 protein function with a negative predictive value of 80%. In summary, the available evidence is currently insufficient to determine the role of this variant in disease. Therefore, it has been classified as a Variant of Uncertain Significance.

NM_020822.3(KCNT1):c.1940C>A (p.Ala647Asp)

Gene: KCNT1 (potassium sodium-activated channel subfamily T member 1; plus strand). Cytogenetic location: 9q34.3.
Variant type: single nucleotide variant.
Coding change: c.1940C>A on transcript NM_020822.3 (MANE Select); coding-DNA position 1940, C replaced by A.
Protein change: p.Ala647Asp; replaces alanine 647 with aspartic acid.
Molecular consequence: missense variant.
Genome position (GRCh38, 1-based): chr9:135,771,027, C>A. VCF-style: chr9-135771027-C-A. GRCh37 (hg19) VCF-style: chr9-138662873-C-A.
Other names: c.1805C>A, p.Ala602Asp (NM_001272003.2); short protein forms A647D, A602D.
Identifiers: ClinVar variation 1469830 (VCV001469830.6), dbSNP rs550751778, ClinGen allele CA375508643.